The following is an entry in ClinVar:

NM_020975.6(RET):c.2596G>A (p.Ala866Thr)

Gene: RET (ret proto-oncogene; plus strand). Cytogenetic location: 10q11.21.
Variant type: single nucleotide variant.
Coding change: c.2596G>A on transcript NM_020975.6 (MANE Select); coding-DNA position 2596, G replaced by A.
Protein change: p.Ala866Thr; replaces alanine 866 with threonine.
Molecular consequence: missense variant.
Genome position (GRCh38, 1-based): chr10:43,119,734, G>A. VCF-style: chr10-43119734-G-A. GRCh37 (hg19) VCF-style: chr10-43615182-G-A.
Other names: c.2596G>A, p.Ala866Thr (NM_000323.2, NM_001406743.1, NM_001406744.1 and 4 more transcripts); c.1834G>A, p.Ala612Thr (NM_001355216.2); c.2467G>A, p.Ala823Thr (NM_001406761.1, NM_001406762.1, NM_001406764.1); c.2461G>A, p.Ala821Thr (NM_001406763.1, NM_001406765.1); c.2308G>A, p.Ala770Thr (NM_001406766.1, NM_001406767.1, NM_001406770.1); c.2332G>A, p.Ala778Thr (NM_001406768.1); c.2200G>A, p.Ala734Thr (NM_001406769.1, NM_001406772.1); c.2158G>A, p.Ala720Thr (NM_001406771.1, NM_001406773.1); and 10 more; short protein forms A612T, A866T, A471T, A524T, A770T, A821T, A691T, A734T.
Identifiers: ClinVar variation 665292 (VCV000665292.15), dbSNP rs1334494092, ClinGen allele CA376556801.
Genomic context (GRCh38, chr10:43,119,734, plus strand): 5'-CTCACCATGGGCGACCTCATCTCATTTGCCTGGCAGATCTCACAGGGGATGCAGTATCTG[G>A]CCGAGATGAAGGTGCGTGCATATGGCTCTGCACCCAGCCAGCCCCGGCCAGGCCACACCC-3'
Protein context (NP_066124.1, residues 856-876): WQISQGMQYL[Ala866Thr]EMKLVHRDLA

ClinVar aggregate classification (germline): Uncertain significance. Review status: criteria provided, multiple submitters, no conflicts (2 of 4 stars). 2 submissions from 2 submitters: Uncertain significance (2). Last evaluated 2025-07-15.

Conditions:
Hereditary cancer-predisposing syndrome. Also called: Tumor predisposition; Hereditary neoplastic syndrome; Neoplastic Syndromes, Hereditary; Hereditary Cancer Syndrome. Identifiers: Orphanet 140162, MedGen C0027672, MeSH D009386, MONDO:0015356.
Multiple endocrine neoplasia, type 2 (MEN2). Identifiers: Orphanet 653, MedGen C4048306, MONDO:0019003. Disease mechanism: gain of function.

Allele frequency attached by ClinVar (database versions not stated): gnomAD exomes below 0.00001.
gnomAD v4.1: 1 of 1,613,262 alleles (0.000062%); highest among the groups gnomAD compares: Non-Finnish European, 0.000085%; no homozygotes.

Submissions (2):

Labcorp Genetics (formerly Invitae), Labcorp
Classification: Uncertain significance for Multiple endocrine neoplasia, type 2. Last evaluated: 2025-07-15. Review status: criteria provided, single submitter. Criteria: Invitae Variant Classification Sherloc (09022015). Collection method: clinical testing. Allele origin: germline.
Comment: This sequence change replaces alanine, which is neutral and non-polar, with threonine, which is neutral and polar, at codon 866 of the RET protein (p.Ala866Thr). This variant is present in population databases (no rsID available, gnomAD 0.0009%). This variant has not been reported in the literature in individuals affected with RET-related conditions. ClinVar contains an entry for this variant (Variation ID: 665292). An algorithm developed to predict the effect of missense changes on protein structure and function (PolyPhen-2) suggests that this variant is likely to be disruptive. In summary, the available evidence is currently insufficient to determine the role of this variant in disease. Therefore, it has been classified as a Variant of Uncertain Significance.

Ambry Genetics
Classification: Uncertain significance for Hereditary cancer-predisposing syndrome. Last evaluated: 2025-05-21. Review status: criteria provided, single submitter. Criteria: Ambry Variant Classification Scheme 2023. Collection method: clinical testing. Allele origin: germline.
Comment: The p.A866T variant (also known as c.2596G>A), located in coding exon 14 of the RET gene, results from a G to A substitution at nucleotide position 2596. The alanine at codon 866 is replaced by threonine, an amino acid with similar properties. This amino acid position is highly conserved in available vertebrate species. In addition, this alteration is predicted to be deleterious by in silico analysis. Since supporting evidence is limited at this time, the clinical significance of this alteration remains unclear.